The following is an entry in ClinVar:

NM_018557.3(LRP1B):c.143A>G (p.Gln48Arg)

Gene: LRP1B (LDL receptor related protein 1B; minus strand). Cytogenetic location: 2q22.2.
Variant type: single nucleotide variant.
Coding change: c.143A>G on transcript NM_018557.3 (MANE Select); coding-DNA position 143, A replaced by G.
Protein change: p.Gln48Arg; replaces glutamine 48 with arginine.
Molecular consequence: missense variant.
Genome position (GRCh38, 1-based): chr2:141,810,341, T>C on the plus strand (A>G on the coding strand, the complement: LRP1B is on the minus strand). VCF-style: chr2-141810341-T-C. GRCh37 (hg19) VCF-style: chr2-142567910-T-C.
Other names: short protein forms Q48R.
Identifiers: ClinVar variation 3059458 (VCV003059458.2), dbSNP rs12990449, ClinGen allele CA1896407.
Genomic context (GRCh38, chr2:141,810,341, plus strand): 5'-GTATCTAAAGACTCGTCTGAATCATCAGGGCAGTCAGGGTCCCCATCACACAGCCAGCTC[T>C]GGGAGACACAAGTCACGTGATCGTGGCAAAGAAATTCACCAGGATCACACAACTGCTGAT-3'
Protein context (NP_061027.2, residues 38-58): LCHDHVTCVS[Gln48Arg]SWLCDGDPDC

ClinVar aggregate classification (germline): Benign (0 of 4 stars; one submission).

Conditions:
LRP1B-related disorder. Also called: LRP1B-related condition.

Allele frequency attached by ClinVar (database versions not stated): ESP Exome Variant Server 0.17523; TOPMed 0.18878; gnomAD 0.19048; 1000 Genomes Project 30x 0.20753; 1000 Genomes Project 0.21745; gnomAD exomes 0.22823; ExAC 0.23377.
gnomAD v4.1: 363,071 of 1,612,742 alleles (23%); highest among the groups gnomAD compares: East Asian, 43%; 44,073 homozygotes.

Submission:

PreventionGenetics, part of Exact Sciences
Classification: Benign for LRP1B-related condition. Last evaluated: 2019-10-18. Review status: no assertion criteria provided. Collection method: clinical testing. Allele origin: germline.
Comment: This variant is classified as benign based on ACMG/AMP sequence variant interpretation guidelines (Richards et al. 2015 PMID: 25741868, with internal and published modifications).